The following is an entry in ClinVar:

NM_033305.3(VPS13A):c.3524T>C (p.Phe1175Ser)

Gene: VPS13A (vacuolar protein sorting 13 homolog A; plus strand). Cytogenetic location: 9q21.2.
Variant type: single nucleotide variant.
Coding change: c.3524T>C on transcript NM_033305.3 (MANE Select); coding-DNA position 3524, T replaced by C.
Protein change: p.Phe1175Ser; replaces phenylalanine 1175 with serine.
Molecular consequence: missense variant.
Genome position (GRCh38, 1-based): chr9:77,295,558, T>C. VCF-style: chr9-77295558-T-C. GRCh37 (hg19) VCF-style: chr9-79910474-T-C.
Other names: p.Phe1175Ser; c.3407T>C, p.Phe1136Ser (NM_001018037.2); c.3524T>C, p.Phe1175Ser (NM_001018038.3, NM_015186.4); short protein forms F1136S, F1175S.
Identifiers: ClinVar variation 3379873 (VCV003379873.1).

ClinVar aggregate classification (germline): Uncertain significance (1 of 4 stars; one submission).

Submission:

Mayo Clinic Laboratories, Mayo Clinic
Classification: Uncertain significance. Last evaluated: 2024-03-05. Review status: criteria provided, single submitter. Criteria: ACMG Guidelines, 2015. Collection method: clinical testing. Allele origin: germline. Observed: 1 variant allele.
Comment: PP3, PM2